The following is an entry in ClinVar:

ClinVar aggregate classification (germline): Uncertain significance (1 of 4 stars; one submission).

Conditions:
Autosomal dominant Parkinson disease 8. Also called: Parkinson disease 8, susceptibility to; LRRK2-Related Parkinson Disease; Parkinson disease 8. Identifiers: Orphanet 411602, MedGen C1846862, MONDO:0011764, OMIM 607060.

Submission:

Labcorp Genetics (formerly Invitae), Labcorp
Classification: Uncertain significance for Autosomal dominant Parkinson disease 8. Last evaluated: 2022-02-19. Review status: criteria provided, single submitter. Criteria: Invitae Variant Classification Sherloc (09022015). Collection method: clinical testing. Allele origin: germline.
Comment: In summary, the available evidence is currently insufficient to determine the role of this variant in disease. Therefore, it has been classified as a Variant of Uncertain Significance. Algorithms developed to predict the effect of missense changes on protein structure and function (SIFT, PolyPhen-2, Align-GVGD) all suggest that this variant is likely to be tolerated. This variant has not been reported in the literature in individuals affected with LRRK2-related conditions. This variant is not present in population databases (gnomAD no frequency). This sequence change replaces glutamine, which is neutral and polar, with leucine, which is neutral and non-polar, at codon 536 of the LRRK2 protein (p.Gln536Leu).

NM_198578.4(LRRK2):c.1607A>T (p.Gln536Leu)

Gene: LRRK2 (leucine rich repeat kinase 2; plus strand). Cytogenetic location: 12q12.
Variant type: single nucleotide variant.
Coding change: c.1607A>T on transcript NM_198578.4 (MANE Select); coding-DNA position 1607, A replaced by T.
Protein change: p.Gln536Leu; replaces glutamine 536 with leucine.
Molecular consequence: missense variant.
Genome position (GRCh38, 1-based): chr12:40,263,852, A>T. VCF-style: chr12-40263852-A-T. GRCh37 (hg19) VCF-style: chr12-40657654-A-T.
Other names: short protein forms Q536L.
Identifiers: ClinVar variation 2099201 (VCV002099201.4), dbSNP rs1169078283, ClinGen allele CA384399014.